The following is an entry in ClinVar:

NM_000372.5(TYR):c.658C>T (p.Gln220Ter)

Gene: TYR (tyrosinase; plus strand). Cytogenetic location: 11q14.3.
Variant type: single nucleotide variant.
Coding change: c.658C>T on transcript NM_000372.5 (MANE Select); coding-DNA position 658, C replaced by T.
Protein change: p.Gln220Ter; replaces glutamine 220 with a stop codon.
Molecular consequence: nonsense.
Genome position (GRCh38, 1-based): chr11:89,178,611, C>T. VCF-style: chr11-89178611-C-T. GRCh37 (hg19) VCF-style: chr11-88911779-C-T.
Other names: short protein forms Q220*.
Identifiers: ClinVar variation 212523 (VCV000212523.22), dbSNP rs797046083, ClinGen allele CA276934.

ClinVar aggregate classification (germline): Pathogenic/Likely pathogenic. Review status: criteria provided, multiple submitters, no conflicts (2 of 4 stars). 7 submissions from 7 submitters: Pathogenic (4); Likely pathogenic (3). Last evaluated 2026-08-25.

Conditions:
TYR-related disorder. Also called: TYR-related condition.
SKIN/HAIR/EYE PIGMENTATION 3, LIGHT/DARK SKIN (SHEP3). Also called: SKIN/HAIR/EYE PIGMENTATION, VARIATION IN, 3; EYE COLOR 1; EYE COLOR, GREEN/BLUE; SKIN/HAIR/EYE PIGMENTATION 3, BLUE/GREEN EYE COLOR; SKIN/HAIR/EYE PIGMENTATION 3, FRECKLING. Identifiers: MedGen C2677190, OMIM 601800.
Oculocutaneous albinism type 1A (OCA1A). Also called: Albinism, oculocutaneous, type IA. Identifiers: Orphanet 352731, Orphanet 79431, MedGen C4551504, MONDO:0008745, OMIM 203100. Disease mechanism: loss of function.

Allele frequency attached by ClinVar (database versions not stated): gnomAD exomes below 0.00001; gnomAD 0.00001 and 0.00002; TOPMed 0.00003.
gnomAD v4.1: 8 of 1,612,394 alleles (0.0005%); highest among the groups gnomAD compares: African/African-American, 0.011%; no homozygotes.

Submissions (7):

PreventionGenetics, part of Exact Sciences
Classification: Likely pathogenic for TYR-related condition. Last evaluated: 2026-08-25. Review status: criteria provided, single submitter. Criteria: ACMG Guidelines, 2015. Collection method: clinical testing. Allele origin: germline.
Comment: The TYR c.658C>T variant is predicted to result in premature protein termination (p.Gln220*). This variant was reported in the compound heterozygous state in an individual with albinism (Wei et al. 2022. PubMed ID: 34838614). This variant is reported in 0.011% of alleles in individuals of African descent in gnomAD. Nonsense variants in TYR are expected to be pathogenic. This variant is interpreted as likely pathogenic.

Labcorp Genetics (formerly Invitae), Labcorp
Classification: Pathogenic. Last evaluated: 2025-11-01. Review status: criteria provided, single submitter. Criteria: Invitae Variant Classification Sherloc (09022015). Collection method: clinical testing. Allele origin: germline.
Comment: This sequence change creates a premature translational stop signal (p.Gln220*) in the TYR gene. It is expected to result in an absent or disrupted protein product. Loss-of-function variants in TYR are known to be pathogenic (PMID: 23504663). This variant is present in population databases (rs797046083, gnomAD 0.01%). This variant has not been reported in the literature in individuals affected with TYR-related conditions. ClinVar contains an entry for this variant (Variation ID: 212523). For these reasons, this variant has been classified as Pathogenic.

Baylor Genetics
Classification: Likely pathogenic for SKIN/HAIR/EYE PIGMENTATION 3, LIGHT/DARK SKIN. Last evaluated: 2023-11-27. Review status: criteria provided, single submitter. Criteria: ACMG Guidelines, 2015. Collection method: clinical testing. Allele origin: unknown.

Genome-Nilou Lab
Classification: Pathogenic for Oculocutaneous albinism type 1A. Last evaluated: 2021-07-22. Review status: criteria provided, single submitter. Criteria: ACMG Guidelines, 2015. Collection method: clinical testing. Allele origin: germline. Affected: no.

Blueprint Genetics
Classification: Likely pathogenic for TYR-related disorders. Last evaluated: 2018-09-03. Review status: criteria provided, single submitter. Criteria: ACMG Guidelines, 2015. Collection method: clinical testing. Allele origin: germline. Affected: yes. Observed: 1 variant allele.

Eurofins Ntd Llc (ga)
Classification: Pathogenic. Last evaluated: 2018-03-07. Review status: criteria provided, single submitter. Criteria: EGL ClinVar v180209 classification definitions. Collection method: clinical testing. Allele origin: germline. Observed: 1 variant allele, 1 heterozygote.

Genetic Services Laboratory, University of Chicago
Classification: Pathogenic for Albinism, oculocutaneous, type IA. Last evaluated: 2015-07-27. Review status: criteria provided, single submitter. Criteria: ACMG Guidelines, 2015. Collection method: clinical testing. Allele origin: germline. Affected: yes.

Literature cited by the submitters: PubMed 23504663 (cited by Labcorp Genetics (formerly Invitae), Labcorp).